The following is an entry in ClinVar:

ClinVar aggregate classification (germline): Uncertain significance (1 of 4 stars; one submission).

Allele frequency attached by ClinVar (database versions not stated): gnomAD exomes below 0.00001; TOPMed below 0.00001.
gnomAD v4.1: 6 of 1,611,126 alleles (0.00037%); highest among the groups gnomAD compares: Non-Finnish European, 0.00051%; no homozygotes.

Submission:

Labcorp Genetics (formerly Invitae), Labcorp
Classification: Uncertain significance. Last evaluated: 2022-08-23. Review status: criteria provided, single submitter. Criteria: Invitae Variant Classification Sherloc (09022015). Collection method: clinical testing. Allele origin: germline.
Comment: This sequence change replaces alanine, which is neutral and non-polar, with threonine, which is neutral and polar, at codon 1443 of the CACNA1B protein (p.Ala1443Thr). This variant is not present in population databases (gnomAD no frequency). This variant has not been reported in the literature in individuals affected with CACNA1B-related conditions. Algorithms developed to predict the effect of missense changes on protein structure and function are either unavailable or do not agree on the potential impact of this missense change (SIFT: "Tolerated"; PolyPhen-2: "Probably Damaging"; Align-GVGD: "Class C0"). In summary, the available evidence is currently insufficient to determine the role of this variant in disease. Therefore, it has been classified as a Variant of Uncertain Significance.

NM_000718.4(CACNA1B):c.4327G>A (p.Ala1443Thr)

Gene: CACNA1B (calcium voltage-gated channel subunit alpha1 B; plus strand). Cytogenetic location: 9q34.3.
Variant type: single nucleotide variant.
Coding change: c.4327G>A on transcript NM_000718.4 (MANE Select); coding-DNA position 4327, G replaced by A.
Protein change: p.Ala1443Thr; replaces alanine 1443 with threonine.
Molecular consequence: missense variant.
Genome position (GRCh38, 1-based): chr9:138,058,587, G>A. VCF-style: chr9-138058587-G-A. GRCh37 (hg19) VCF-style: chr9-140953039-G-A.
Other names: c.4327G>A, p.Ala1443Thr (NM_001243812.2); short protein forms A1443T.
Identifiers: ClinVar variation 1934583 (VCV001934583.2), dbSNP rs1959600023, ClinGen allele CA375814440.